The following is an entry in ClinVar:

NM_005337.5(NCKAP1L):c.2245G>A (p.Gly749Ser)

Gene: NCKAP1L (NCK associated protein 1 like; plus strand). Cytogenetic location: 12q13.2.
Variant type: single nucleotide variant.
Coding change: c.2245G>A on transcript NM_005337.5 (MANE Select); coding-DNA position 2245, G replaced by A.
Protein change: p.Gly749Ser; replaces glycine 749 with serine.
Molecular consequence: missense variant.
Genome position (GRCh38, 1-based): chr12:54,526,616, G>A. VCF-style: chr12-54526616-G-A. GRCh37 (hg19) VCF-style: chr12-54920400-G-A.
Other names: c.2095G>A, p.Gly699Ser (NM_001184976.2); c.2245G>A (NM_005337.4); short protein forms G699S, G749S.
Identifiers: ClinVar variation 2178162 (VCV002178162.4), dbSNP rs144832454, ClinGen allele CA6609385.
Genomic context (GRCh38, chr12:54,526,616, plus strand): 5'-GCCACGACCCAGGAGATCGTACGGCCTTCTGAGCTGTTGGCAGGAGTCAAAGCATACATT[G>A]GTTTCATACAGTCACTGGCCCAGTTTTTGGGTGCAGATGCTTCCAGAGTCATCCGCAACG-3'
Protein context (NP_005328.2, residues 739-759): ELLAGVKAYI[Gly749Ser]FIQSLAQFLG

ClinVar aggregate classification (germline): Conflicting classifications of pathogenicity. Review status: criteria provided, conflicting classifications (1 of 4 stars). 3 submissions from 3 submitters: Uncertain significance (2); Likely benign (1). Last evaluated 2024-01-29.

Allele frequency attached by ClinVar (database versions not stated): gnomAD exomes 0.00010; ExAC 0.00012; gnomAD 0.00019; TOPMed 0.00025; ESP Exome Variant Server 0.00031.
gnomAD v4.1: 180 of 1,613,872 alleles (0.011%); highest among the groups gnomAD compares: African/African-American, 0.047%; no homozygotes.

Submissions (3):

Labcorp Genetics (formerly Invitae), Labcorp
Classification: Uncertain significance. Last evaluated: 2024-01-29. Review status: criteria provided, single submitter. Criteria: Invitae Variant Classification Sherloc (09022015). Collection method: clinical testing. Allele origin: germline.
Comment: This sequence change replaces glycine, which is neutral and non-polar, with serine, which is neutral and polar, at codon 749 of the NCKAP1L protein (p.Gly749Ser). This variant is present in population databases (rs144832454, gnomAD 0.07%). This variant has not been reported in the literature in individuals affected with NCKAP1L-related conditions. ClinVar contains an entry for this variant (Variation ID: 2178162). Algorithms developed to predict the effect of missense changes on protein structure and function output the following: SIFT: "Not Available"; PolyPhen-2: "Benign"; Align-GVGD: "Not Available". The serine amino acid residue is found in multiple mammalian species, which suggests that this missense change does not adversely affect protein function. In summary, the available evidence is currently insufficient to determine the role of this variant in disease. Therefore, it has been classified as a Variant of Uncertain Significance.

GeneDx
Classification: Uncertain significance. Last evaluated: 2023-01-29. Review status: criteria provided, single submitter. Criteria: GeneDx Variant Classification Process June 2021. Collection method: clinical testing. Allele origin: germline. Affected: yes.
Comment: In silico analysis supports that this missense variant does not alter protein structure/function; Has not been previously published as pathogenic or benign to our knowledge

Ambry Genetics
Classification: Likely benign. Last evaluated: 2021-08-12. Review status: criteria provided, single submitter. Criteria: Ambry Variant Classification Scheme 2023. Collection method: clinical testing. Allele origin: germline.